The following is an entry in ClinVar:

NM_177438.3(DICER1):c.4586A>G (p.Asn1529Ser)

Gene: DICER1 (dicer 1, ribonuclease III; minus strand). Cytogenetic location: 14q32.13.
Variant type: single nucleotide variant.
Coding change: c.4586A>G on transcript NM_177438.3 (MANE Select); coding-DNA position 4586, A replaced by G.
Protein change: p.Asn1529Ser; replaces asparagine 1529 with serine.
Molecular consequence: missense variant. On other transcripts: non-coding transcript variant (6).
Genome position (GRCh38, 1-based): chr14:95,096,334, T>C on the plus strand (A>G on the coding strand, the complement: DICER1 is on the minus strand). VCF-style: chr14-95096334-T-C. GRCh37 (hg19) VCF-style: chr14-95562671-T-C.
Other names: c.4586A>G, p.Asn1529Ser (NM_001195573.1, NM_001271282.3, NM_001291628.2 and 12 more transcripts); c.4304A>G, p.Asn1435Ser (NM_001395686.1); c.4181A>G, p.Asn1394Ser (NM_001395687.1, NM_001395688.1, NM_001395689.1 and 2 more transcripts); c.4019A>G, p.Asn1340Ser (NM_001395691.1); c.2903A>G, p.Asn968Ser (NM_001395697.1); c.4586A>G (NM_177438.2); short protein forms N1340S, N1394S, N1435S, N1529S, N968S.
Identifiers: ClinVar variation 1697710 (VCV001697710.11), dbSNP rs2139847690, ClinGen allele CA390867752.

ClinVar aggregate classification (germline): Uncertain significance. Review status: criteria provided, multiple submitters, no conflicts (2 of 4 stars). 3 submissions from 3 submitters: Uncertain significance (3). Last evaluated 2025-03-04.

Conditions:
Hereditary cancer-predisposing syndrome. Also called: Neoplastic Syndromes, Hereditary; Hereditary Cancer Syndrome; Tumor predisposition; Hereditary neoplastic syndrome. Identifiers: Orphanet 140162, MedGen C0027672, MeSH D009386, MONDO:0015356.
DICER1-related tumor predisposition. Also called: DICER1-related pleuropulmonary blastoma cancer predisposition syndrome; DICER1 syndrome. Identifiers: Orphanet 284343, MedGen C3839822, MONDO:0100216.

Submissions (3):

Center for Genomic Medicine, Rigshospitalet, Copenhagen University Hospital
Classification: Uncertain significance. Last evaluated: 2025-03-04. Review status: criteria provided, single submitter. Criteria: ACMG Guidelines, 2015. Collection method: clinical testing. Allele origin: germline.

Labcorp Genetics (formerly Invitae), Labcorp
Classification: Uncertain significance for DICER1-related tumor predisposition. Last evaluated: 2024-04-25. Review status: criteria provided, single submitter. Criteria: Invitae Variant Classification Sherloc (09022015). Collection method: clinical testing. Allele origin: germline.
Comment: This sequence change replaces asparagine, which is neutral and polar, with serine, which is neutral and polar, at codon 1529 of the DICER1 protein (p.Asn1529Ser). This variant is not present in population databases (gnomAD no frequency). This variant has not been reported in the literature in individuals affected with DICER1-related conditions. ClinVar contains an entry for this variant (Variation ID: 1697710). An algorithm developed to predict the effect of missense changes on protein structure and function (PolyPhen-2) suggests that this variant is likely to be disruptive. In summary, the available evidence is currently insufficient to determine the role of this variant in disease. Therefore, it has been classified as a Variant of Uncertain Significance.

Ambry Genetics
Classification: Uncertain significance for Hereditary cancer-predisposing syndrome. Last evaluated: 2021-05-11. Review status: criteria provided, single submitter. Criteria: Ambry Variant Classification Scheme 2023. Collection method: clinical testing. Allele origin: germline.
Comment: The p.N1529S variant (also known as c.4586A>G), located in coding exon 22 of the DICER1 gene, results from an A to G substitution at nucleotide position 4586. The asparagine at codon 1529 is replaced by serine, an amino acid with highly similar properties. This amino acid position is highly conserved in available vertebrate species. In addition, the in silico prediction for this alteration is inconclusive. Since supporting evidence is limited at this time, the clinical significance of this alteration remains unclear.